The following is an entry in ClinVar:

ClinVar aggregate classification (germline): Pathogenic (1 of 4 stars; one submission).

Allele frequency attached by ClinVar (database versions not stated): gnomAD exomes below 0.00001.

Submission:

Labcorp Genetics (formerly Invitae), Labcorp
Classification: Pathogenic. Last evaluated: 2022-04-28. Review status: criteria provided, single submitter. Criteria: Invitae Variant Classification Sherloc (09022015). Collection method: clinical testing. Allele origin: germline.
Comment: For these reasons, this variant has been classified as Pathogenic. This variant has not been reported in the literature in individuals affected with ABCC6-related conditions. This variant is not present in population databases (gnomAD no frequency). This sequence change creates a premature translational stop signal (p.Ala1087Trpfs*27) in the ABCC6 gene. It is expected to result in an absent or disrupted protein product. Loss-of-function variants in ABCC6 are known to be pathogenic (PMID: 11536079, 17617515).

Literature cited by the submitters: PubMed 11536079; PubMed 17617515.

NM_001171.6(ABCC6):c.3256_3257dup (p.Ala1087fs)

Gene: ABCC6 (ATP binding cassette subfamily C member 6; minus strand). Cytogenetic location: 16p13.11.
Variant type: Duplication.
Coding change: c.3256_3257dup on transcript NM_001171.6 (MANE Select); coding-DNA positions 3256 to 3257, 2 bases duplicated (CT; older notation c.3256_3257dupCT).
Protein change: p.Ala1087fs; shifts the reading frame from alanine 1087.
Molecular consequence: frameshift variant. On other transcripts: non-coding transcript variant (1).
Genome position (GRCh38, 1-based): chr16:16,165,672-16,165,673, AG duplicated on the plus strand (CT on the coding strand, the reverse complement: ABCC6 is on the minus strand). VCF-style (leftmost placement, unchanged base first): chr16-16165671-C-CAG. GRCh37 (hg19) VCF-style: chr16-16259528-C-CAG.
Other names: c.2914_2915dup, p.Ala973fs (NM_001351800.1); short protein forms A973fs, A1087fs.
Identifiers: ClinVar variation 2186680 (VCV002186680.4), dbSNP rs879791059, ClinGen allele CA278632917.